The following is an entry in ClinVar:

NM_000642.3(AGL):c.2357C>T (p.Thr786Met)

Gene: AGL (amylo-alpha-1,6-glucosidase and 4-alpha-glucanotransferase; plus strand). Cytogenetic location: 1p21.2.
Variant type: single nucleotide variant.
Coding change: c.2357C>T on transcript NM_000642.3 (MANE Select); coding-DNA position 2357, C replaced by T.
Protein change: p.Thr786Met; replaces threonine 786 with methionine.
Molecular consequence: missense variant.
Genome position (GRCh38, 1-based): chr1:99,884,168, C>T. VCF-style: chr1-99884168-C-T. GRCh37 (hg19) VCF-style: chr1-100349724-C-T.
Other names: c.2357C>T, p.Thr786Met (NM_000028.3, NM_000643.3, NM_000644.3 and 2 more transcripts); c.2309C>T, p.Thr770Met (NM_000646.3); c.2156C>T, p.Thr719Met (NM_001425327.1); c.2153C>T, p.Thr718Met (NM_001425328.1, NM_001425329.1); c.1979C>T, p.Thr660Met (NM_001425332.1); short protein forms T786M, T770M, T660M, T718M, T719M.
Identifiers: ClinVar variation 946738 (VCV000946738.16), dbSNP rs147586981, ClinGen allele CA966773.
Genomic context (GRCh38, chr1:99,884,168, plus strand): 5'-ATGTATTCCTAGGCAAAATTGAAGAAGTAGTTCTTGAAGCTAGAACTATTGAGAGAAACA[C>T]GAAACCTTATAGGAAGGATGAGAATTCAATCAATGGAACACCAGATATCACAGTAGAAAT-3'
Protein context (NP_000633.2, residues 776-796): VLEARTIERN[Thr786Met]KPYRKDENSI

ClinVar aggregate classification (germline): Uncertain significance. Review status: criteria provided, multiple submitters, no conflicts (2 of 4 stars). 6 submissions from 6 submitters: Uncertain significance (5). 1 of the submissions does not count toward it. Last evaluated 2025-11-06.

Conditions:
Inborn genetic diseases. Identifiers: MedGen C0950123, MeSH D030342.
Glycogen storage disease type III (GSD3). Also called: Cori disease; FORBES DISEASE. Identifiers: Orphanet 366, MedGen C0017922, MONDO:0009291, OMIM 232400.

Allele frequency attached by ClinVar (database versions not stated): ExAC 0.00001; gnomAD exomes 0.00001; gnomAD 0.00004; TOPMed 0.00004; ESP Exome Variant Server 0.00008.
gnomAD v4.1: 34 of 1,612,546 alleles (0.0021%); highest among the groups gnomAD compares: African/African-American, 0.0027%; no homozygotes.

Submissions (6):

Labcorp Genetics (formerly Invitae), Labcorp
Classification: Uncertain significance for Glycogen storage disease type III. Last evaluated: 2025-11-06. Review status: criteria provided, single submitter. Criteria: Invitae Variant Classification Sherloc (09022015). Collection method: clinical testing. Allele origin: germline.
Comment: This sequence change replaces threonine, which is neutral and polar, with methionine, which is neutral and non-polar, at codon 786 of the AGL protein (p.Thr786Met). This variant is present in population databases (rs147586981, gnomAD 0.007%). This variant has not been reported in the literature in individuals affected with AGL-related conditions. ClinVar contains an entry for this variant (Variation ID: 946738). Invitae Evidence Modeling of protein sequence and biophysical properties (such as structural, functional, and spatial information, amino acid conservation, physicochemical variation, residue mobility, and thermodynamic stability) indicates that this missense variant is not expected to disrupt AGL protein function with a negative predictive value of 80%. In summary, the available evidence is currently insufficient to determine the role of this variant in disease. Therefore, it has been classified as a Variant of Uncertain Significance.

Ambry Genetics
Classification: Uncertain significance for Inborn genetic diseases. Last evaluated: 2025-08-04. Review status: criteria provided, single submitter. Criteria: Ambry Variant Classification Scheme 2023. Collection method: clinical testing. Allele origin: germline.

Genome-Nilou Lab
Classification: Uncertain significance for Glycogen storage disease type III. Last evaluated: 2021-07-15. Review status: criteria provided, single submitter. Criteria: ACMG Guidelines, 2015. Collection method: clinical testing. Allele origin: germline. Affected: no.

Fulgent Genetics
Classification: Uncertain significance for Glycogen storage disease type III. Last evaluated: 2021-07-10. Review status: criteria provided, single submitter. Criteria: ACMG Guidelines, 2015. Collection method: clinical testing. Allele origin: unknown.

GeneDx
Classification: Uncertain significance. Last evaluated: 2021-02-01. Review status: criteria provided, single submitter. Criteria: GeneDx Variant Classification Process June 2021. Collection method: clinical testing. Allele origin: germline. Affected: yes.
Comment: Not observed at a significant frequency in large population cohorts (Lek et al., 2016); In silico analysis supports that this missense variant does not alter protein structure/function; Has not been previously published as pathogenic or benign to our knowledge

Natera, Inc.
Classification: Uncertain significance for Glycogen storage disease type III. Last evaluated: 2020-08-27. Review status: no assertion criteria provided. Collection method: clinical testing. Allele origin: germline. Not counted in ClinVar's aggregate classification.